The following is an entry in ClinVar:

NM_001244008.2(KIF1A):c.184-111T>C

Gene: KIF1A (kinesin family member 1A; minus strand). Cytogenetic location: 2q37.3.
Variant type: single nucleotide variant.
Coding change: c.184-111T>C on transcript NM_001244008.2 (MANE Select); 111 bases into the intron before coding-DNA position 184, T replaced by C.
Molecular consequence: intron variant.
Genome position (GRCh38, 1-based): chr2:240,788,341, A>G on the plus strand (T>C on the coding strand, the complement: KIF1A is on the minus strand). VCF-style: chr2-240788341-A-G. GRCh37 (hg19) VCF-style: chr2-241727758-A-G.
Other names: c.184-111T>C (NM_001379653.1, NM_001379650.1, NM_001379645.1 and 20 more transcripts).
Identifiers: ClinVar variation 679510 (VCV000679510.2), dbSNP rs114898476, ClinGen allele CA68142747.

ClinVar aggregate classification (germline): Likely benign. Review status: criteria provided, multiple submitters, no conflicts (2 of 4 stars). 2 submissions from 2 submitters: Likely benign (2). Last evaluated 2018-06-16.

Allele frequency attached by ClinVar (database versions not stated): gnomAD exomes 0.00158; gnomAD 0.01362 and 0.01446; TOPMed 0.01520; 1000 Genomes Project 0.02037; 1000 Genomes Project 30x 0.02186.
gnomAD v4.1: 3,444 of 979,248 alleles (0.35%); highest among the groups gnomAD compares: African/African-American, 4.6%; 79 homozygotes.

Submissions (2):

GeneDx
Classification: Likely benign. Last evaluated: 2018-06-16. Review status: criteria provided, single submitter. Criteria: GeneDx Variant Classification (06012015). Collection method: clinical testing. Allele origin: germline. Affected: yes.
Comment: This variant is considered likely benign or benign based on one or more of the following criteria: it is a conservative change, it occurs at a poorly conserved position in the protein, it is predicted to be benign by multiple in silico algorithms, and/or has population frequency not consistent with disease.

Breakthrough Genomics
Classification: Likely benign. Review status: criteria provided, single submitter. Criteria: ACMG Guidelines, 2015. Collection method: not provided. Allele origin: germline. Inheritance: Autosomal recessive inheritance. Affected: yes.